The following is an entry in ClinVar:

ClinVar aggregate classification (germline): Uncertain significance (1 of 4 stars; one submission).

Conditions:
Familial cold autoinflammatory syndrome 3 (FCAS3). Also called: ANTIBODY DEFICIENCY AND IMMUNE DYSREGULATION, PLCG2-ASSOCIATED; FAMILIAL ATYPICAL COLD URTICARIA. Identifiers: Orphanet 300359, MedGen C3280914, MONDO:0013766, OMIM 614468.

Allele frequency attached by ClinVar (database versions not stated): gnomAD exomes below 0.00001.
gnomAD v4.1: 1 of 1,611,912 alleles (0.000062%); highest among the groups gnomAD compares: Non-Finnish European, 0.000085%; no homozygotes.

Submission:

Labcorp Genetics (formerly Invitae), Labcorp
Classification: Uncertain significance for Familial cold autoinflammatory syndrome 3. Last evaluated: 2022-07-14. Review status: criteria provided, single submitter. Criteria: Invitae Variant Classification Sherloc (09022015). Collection method: clinical testing. Allele origin: germline.
Comment: In summary, the available evidence is currently insufficient to determine the role of this variant in disease. Therefore, it has been classified as a Variant of Uncertain Significance. Algorithms developed to predict the effect of missense changes on protein structure and function are either unavailable or do not agree on the potential impact of this missense change (SIFT: "Deleterious"; PolyPhen-2: "Possibly Damaging"; Align-GVGD: "Class C0"). This variant has not been reported in the literature in individuals affected with PLCG2-related conditions. This variant is not present in population databases (gnomAD no frequency). This sequence change replaces glutamic acid, which is acidic and polar, with glycine, which is neutral and non-polar, at codon 412 of the PLCG2 protein (p.Glu412Gly).

NM_002661.5(PLCG2):c.1235A>G (p.Glu412Gly)

Gene: PLCG2 (phospholipase C gamma 2; plus strand). Cytogenetic location: 16q23.3.
Variant type: single nucleotide variant.
Coding change: c.1235A>G on transcript NM_002661.5 (MANE Select); coding-DNA position 1235, A replaced by G.
Protein change: p.Glu412Gly; replaces glutamic acid 412 with glycine.
Molecular consequence: missense variant.
Genome position (GRCh38, 1-based): chr16:81,900,653, A>G. VCF-style: chr16-81900653-A-G. GRCh37 (hg19) VCF-style: chr16-81934258-A-G.
Other names: short protein forms E412G.
Identifiers: ClinVar variation 2016854 (VCV002016854.4), dbSNP rs2507644693, ClinGen allele CA396899279.
Genomic context (GRCh38, chr16:81,900,653, plus strand): 5'-CACCCTCTTCTGCCTGCAGCTTCCCAGTGATCCTGTCCATCGAGGAGCACTGCAGCGTGG[A>G]GCAACAGCGTCACATGGCCAAGGCCTTCAAGGAAGTATTTGGCGACCTGCTGTTGACGAA-3'
Protein context (NP_002652.2, residues 402-422): ILSIEEHCSV[Glu412Gly]QQRHMAKAFK